The following is an entry in ClinVar:

NM_012123.4(MTO1):c.369G>A (p.Trp123Ter)

Gene: MTO1 (mitochondrial tRNA translation optimization 1; plus strand). Cytogenetic location: 6q13.
Variant type: single nucleotide variant.
Coding change: c.369G>A on transcript NM_012123.4 (MANE Select); coding-DNA position 369, G replaced by A.
Protein change: p.Trp123Ter; replaces tryptophan 123 with a stop codon.
Molecular consequence: nonsense.
Genome position (GRCh38, 1-based): chr6:73,466,360, G>A. VCF-style: chr6-73466360-G-A. GRCh37 (hg19) VCF-style: chr6-74176083-G-A.
Other names: c.369G>A, p.Trp123Ter (NM_001123226.2, NM_133645.3); short protein forms W123*.
Identifiers: ClinVar variation 4714574 (VCV004714574.1).
Genomic context (GRCh38, chr6:73,466,360, plus strand): 5'-CTGTGACCAGTCTGGTGTACATTATAAAGTATTAAACCGGCGTAAGGGACCAGCTGTGTG[G>A]GGTCTGAGAGCTCAGATTGATAGGAAACTCTATAAACAGAACATGCAGGTAAGAATAGGG-3'

ClinVar aggregate classification (germline): Pathogenic (1 of 4 stars; one submission).

Conditions:
Mitochondrial hypertrophic cardiomyopathy with lactic acidosis due to MTO1 deficiency. Also called: CARDIOMYOPATHY, INFANTILE HYPERTROPHIC MITOCHONDRIAL, AND LACTIC ACIDOSIS; Combined oxidative phosphorylation deficiency 10. Identifiers: Orphanet 314637, MedGen C4749921, MONDO:0013865, OMIM 614702.

Submission:

Labcorp Genetics (formerly Invitae), Labcorp
Classification: Pathogenic for Mitochondrial hypertrophic cardiomyopathy with lactic acidosis due to MTO1 deficiency. Last evaluated: 2025-03-07. Review status: criteria provided, single submitter. Criteria: Invitae Variant Classification Sherloc (09022015). Collection method: clinical testing. Allele origin: germline.
Comment: This sequence change creates a premature translational stop signal (p.Trp123*) in the MTO1 gene. It is expected to result in an absent or disrupted protein product. Loss-of-function variants in MTO1 are known to be pathogenic (PMID: 22608499, 25058219). This variant is not present in population databases (gnomAD no frequency). This variant has not been reported in the literature in individuals affected with MTO1-related conditions. For these reasons, this variant has been classified as Pathogenic.

Literature cited by the submitters: PubMed 22608499; PubMed 25058219.